The following is an entry in ClinVar:

NM_006431.3(CCT2):c.1502G>A (p.Arg501Gln)

Gene: CCT2 (chaperonin containing TCP1 subunit 2; plus strand). Cytogenetic location: 12q15.
Variant type: single nucleotide variant.
Coding change: c.1502G>A on transcript NM_006431.3 (MANE Select); coding-DNA position 1502, G replaced by A.
Protein change: p.Arg501Gln; replaces arginine 501 with glutamine.
Molecular consequence: missense variant.
Genome position (GRCh38, 1-based): chr12:69,599,929, G>A. VCF-style: chr12-69599929-G-A. GRCh37 (hg19) VCF-style: chr12-69993709-G-A.
Other names: c.1361G>A, p.Arg454Gln (NM_001198842.2); short protein forms R454Q, R501Q.
Identifiers: ClinVar variation 1909861 (VCV001909861.6), dbSNP rs777802156, ClinGen allele CA6680891.
Genomic context (GRCh38, chr12:69,599,929, plus strand): 5'-GGGAAGGCACCATTGGAGATATGGCTATCCTGGGTATAACAGAAAGTTTTCAAGTGAAGC[G>A]ACAGGTTCTTCTGAGTGCAGCTGAAGCAGCAGAGGTGATTCTGCGTGTGGACAACATCAT-3'
Protein context (NP_006422.1, residues 491-511): LGITESFQVK[Arg501Gln]QVLLSAAEAA

ClinVar aggregate classification (germline): Uncertain significance. Review status: criteria provided, multiple submitters, no conflicts (2 of 4 stars). 2 submissions from 2 submitters: Uncertain significance (2). Last evaluated 2025-10-03.

Allele frequency attached by ClinVar (database versions not stated): gnomAD 0.00001; gnomAD exomes 0.00001; TOPMed 0.00002; ExAC 0.00006.
gnomAD v4.1: 24 of 1,613,858 alleles (0.0015%); highest among the groups gnomAD compares: Admixed American, 0.023%; no homozygotes.

Submissions (2):

Labcorp Genetics (formerly Invitae), Labcorp
Classification: Uncertain significance. Last evaluated: 2025-10-03. Review status: criteria provided, single submitter. Criteria: Invitae Variant Classification Sherloc (09022015). Collection method: clinical testing. Allele origin: germline.
Comment: This sequence change replaces arginine, which is basic and polar, with glutamine, which is neutral and polar, at codon 501 of the CCT2 protein (p.Arg501Gln). This variant is present in population databases (rs777802156, gnomAD 0.04%). This variant has not been reported in the literature in individuals affected with CCT2-related conditions. ClinVar contains an entry for this variant (Variation ID: 1909861). An algorithm developed to predict the effect of missense changes on protein structure and function (PolyPhen-2) suggests that this variant is likely to be tolerated. In summary, the available evidence is currently insufficient to determine the role of this variant in disease. Therefore, it has been classified as a Variant of Uncertain Significance.

Ambry Genetics
Classification: Uncertain significance. Last evaluated: 2021-12-20. Review status: criteria provided, single submitter. Criteria: Ambry Variant Classification Scheme 2023. Collection method: clinical testing. Allele origin: germline.